The following is an entry in ClinVar:

ClinVar aggregate classification (germline): Uncertain significance (1 of 4 stars; one submission).

Conditions:
Hereditary spastic paraplegia 4. Also called: Spastic paraplegia 4, autosomal dominant; Spastic Paraplegia 4; Familial spastic paraplegia autosomal dominant 2. Identifiers: Orphanet 100985, MedGen C1866855, MONDO:0008438, OMIM 182601.

Submission:

Labcorp Genetics (formerly Invitae), Labcorp
Classification: Uncertain significance for Hereditary spastic paraplegia 4. Last evaluated: 2025-10-23. Review status: criteria provided, single submitter. Criteria: Invitae Variant Classification Sherloc (09022015). Collection method: clinical testing. Allele origin: germline.
Comment: This sequence change replaces glutamic acid, which is acidic and polar, with lysine, which is basic and polar, at codon 398 of the SPAST protein (p.Glu398Lys). This variant is not present in population databases (gnomAD no frequency). This variant has not been reported in the literature in individuals affected with SPAST-related conditions. Invitae Evidence Modeling of protein sequence and biophysical properties (such as structural, functional, and spatial information, amino acid conservation, physicochemical variation, residue mobility, and thermodynamic stability) indicates that this missense variant is not expected to disrupt SPAST protein function with a negative predictive value of 80%. In summary, the available evidence is currently insufficient to determine the role of this variant in disease. Therefore, it has been classified as a Variant of Uncertain Significance.

NM_014946.4(SPAST):c.1192G>A (p.Glu398Lys)

Gene: SPAST (spastin; plus strand). Cytogenetic location: 2p22.3.
Variant type: single nucleotide variant.
Coding change: c.1192G>A on transcript NM_014946.4 (MANE Select); coding-DNA position 1192, G replaced by A.
Protein change: p.Glu398Lys; replaces glutamic acid 398 with lysine.
Molecular consequence: missense variant.
Genome position (GRCh38, 1-based): chr2:32,128,426, G>A. VCF-style: chr2-32128426-G-A. GRCh37 (hg19) VCF-style: chr2-32353495-G-A.
Other names: c.1189G>A, p.Glu397Lys (NM_001363823.2); c.1093G>A, p.Glu365Lys (NM_001363875.2); c.1096G>A, p.Glu366Lys (NM_001377959.1, NM_199436.2); short protein forms E398K, E366K, E365K, E397K.
Identifiers: ClinVar variation 4747563 (VCV004747563.1).